The following is an entry in ClinVar:

ClinVar aggregate classification (germline): Uncertain significance (1 of 4 stars; one submission).

Submission:

Labcorp Genetics (formerly Invitae), Labcorp
Classification: Uncertain significance. Last evaluated: 2023-07-17. Review status: criteria provided, single submitter. Criteria: Invitae Variant Classification Sherloc (09022015). Collection method: clinical testing. Allele origin: germline.
Comment: ClinVar contains an entry for this variant (Variation ID: 1721220). In summary, the available evidence is currently insufficient to determine the role of this variant in disease. Therefore, it has been classified as a Variant of Uncertain Significance. Advanced modeling of protein sequence and biophysical properties (such as structural, functional, and spatial information, amino acid conservation, physicochemical variation, residue mobility, and thermodynamic stability) performed at Invitae indicates that this missense variant is expected to disrupt KCNC3 protein function. This variant has not been reported in the literature in individuals affected with KCNC3-related conditions. This variant is not present in population databases (gnomAD no frequency). This sequence change replaces threonine, which is neutral and polar, with asparagine, which is neutral and polar, at codon 108 of the KCNC3 protein (p.Thr108Asn).

NM_004977.3(KCNC3):c.323C>A (p.Thr108Asn)

Gene: KCNC3 (potassium voltage-gated channel subfamily C member 3; minus strand). Cytogenetic location: 19q13.33.
Variant type: single nucleotide variant.
Coding change: c.323C>A on transcript NM_004977.3 (MANE Select); coding-DNA position 323, C replaced by A.
Protein change: p.Thr108Asn; replaces threonine 108 with asparagine.
Molecular consequence: missense variant.
Genome position (GRCh38, 1-based): chr19:50,328,760, G>T on the plus strand (C>A on the coding strand, the complement: KCNC3 is on the minus strand). VCF-style: chr19-50328760-G-T. GRCh37 (hg19) VCF-style: chr19-50832017-G-T.
Other names: c.95C>A, p.Thr32Asn (NM_001372305.1); short protein forms T108N, T32N.
Identifiers: ClinVar variation 1721220 (VCV001721220.5), dbSNP rs2513804145, ClinGen allele CA406956037.